The following is an entry in ClinVar:

ClinVar aggregate classification (germline): Uncertain significance. Review status: criteria provided, multiple submitters, no conflicts (2 of 4 stars). 3 submissions from 3 submitters: Uncertain significance (2). 1 of the submissions does not count toward it. Last evaluated 2025-12-22.

Conditions:
Cardiovascular phenotype. Identifiers: MedGen CN230736.
Capillary malformation-arteriovenous malformation syndrome. Also called: Capillary malformation-arteriovenous malformation. Identifiers: Orphanet 137667, MedGen C1842180, MONDO:0012016.
RASA1-related disorder. Also called: RASA1-related condition.

Allele frequency attached by ClinVar (database versions not stated): gnomAD exomes 0.00004 and 0.00002; ExAC 0.00002; gnomAD 0.00002; TOPMed 0.00004; ESP Exome Variant Server 0.00008.
gnomAD v4.1: 62 of 1,613,472 alleles (0.0038%); highest among the groups gnomAD compares: East Asian, 0.029%; no homozygotes.

Submissions (5):

Labcorp Genetics (formerly Invitae), Labcorp
Classification: Uncertain significance for Capillary malformation-arteriovenous malformation syndrome. Last evaluated: 2025-12-22. Review status: criteria provided, single submitter. Criteria: Invitae Variant Classification Sherloc (09022015). Collection method: clinical testing. Allele origin: germline.
Comment: This sequence change replaces arginine, which is basic and polar, with glutamine, which is neutral and polar, at codon 579 of the RASA1 protein (p.Arg579Gln). This variant is present in population databases (rs377099473, gnomAD 0.005%). This variant has not been reported in the literature in individuals affected with RASA1-related conditions. ClinVar contains an entry for this variant (Variation ID: 1376946). An algorithm developed to predict the effect of missense changes on protein structure and function (PolyPhen-2) suggests that this variant is likely to be tolerated. In summary, the available evidence is currently insufficient to determine the role of this variant in disease. Therefore, it has been classified as a Variant of Uncertain Significance.

Ambry Genetics
Classification: Uncertain significance for Cardiovascular phenotype. Last evaluated: 2024-09-04. Review status: criteria provided, single submitter. Criteria: Ambry Variant Classification Scheme 2023. Collection method: clinical testing. Allele origin: germline.
Comment: The p.R579Q variant (also known as c.1736G>A), located in coding exon 13 of the RASA1 gene, results from a G to A substitution at nucleotide position 1736. The arginine at codon 579 is replaced by glutamine, an amino acid with highly similar properties. This amino acid position is highly conserved in available vertebrate species. In addition, the in silico prediction for this alteration is inconclusive. Based on the available evidence, the clinical significance of this variant remains unclear.

PreventionGenetics, part of Exact Sciences
Classification: Uncertain significance for RASA1-related condition. Last evaluated: 2024-05-02. Review status: no assertion criteria provided. Collection method: clinical testing. Allele origin: germline. Not counted in ClinVar's aggregate classification.
Comment: The RASA1 c.1736G>A variant is predicted to result in the amino acid substitution p.Arg579Gln. To our knowledge, this variant has not been reported in the literature. This variant is reported in 0.0050% of alleles in individuals of East Asian descent in gnomAD. At this time, the clinical significance of this variant is uncertain due to the absence of conclusive functional and genetic evidence.

Dr. Peter K. Rogan Lab, Western University
No classification provided (evidence only). Condition: Lung cancer. Review status: no classification provided. Collection method: in vitro. Allele origin: not applicable. Functional consequence: skipped exon, retained intron. Not counted in ClinVar's aggregate classification.

Dr. Peter K. Rogan Lab, Western University
No classification provided (evidence only). Condition: Uterine corpus endometrial carcinoma. Review status: no classification provided. Collection method: in vitro. Allele origin: not applicable. Functional consequence: retained intron. Not counted in ClinVar's aggregate classification.

NM_002890.3(RASA1):c.1736G>A (p.Arg579Gln)

Genes: CCNH (cyclin H; minus strand), RASA1 (RAS p21 protein activator 1; plus strand). Cytogenetic location: 5q14.3.
Variant type: single nucleotide variant.
Coding change: c.1736G>A on transcript NM_002890.3 (MANE Select); coding-DNA position 1736, G replaced by A.
Protein change: p.Arg579Gln; replaces arginine 579 with glutamine.
Molecular consequence: missense variant. On other transcripts: intron variant (1).
Genome position (GRCh38, 1-based): chr5:87,372,155, G>A. VCF-style: chr5-87372155-G-A. GRCh37 (hg19) VCF-style: chr5-86667972-G-A.
Other names: c.1205G>A, p.Arg402Gln (NM_022650.3); c.933+22889C>T (NM_001364075.2); c.1736G>A (NM_002890.2); short protein forms R579Q, R402Q.
Identifiers: ClinVar variation 1376946 (VCV001376946.10), dbSNP rs377099473, ClinGen allele CA3335833.